The following is an entry in ClinVar:

NM_000371.4(TTR):c.337-13T>C

Gene: TTR (transthyretin; plus strand). Cytogenetic location: 18q12.1.
Variant type: single nucleotide variant.
Coding change: c.337-13T>C on transcript NM_000371.4 (MANE Select); 13 bases into the intron before coding-DNA position 337, T replaced by C.
Molecular consequence: intron variant.
Genome position (GRCh38, 1-based): chr18:31,598,555, T>C. VCF-style: chr18-31598555-T-C. GRCh37 (hg19) VCF-style: chr18-29178518-T-C.
Identifiers: ClinVar variation 228190 (VCV000228190.11), dbSNP rs762691667, ClinGen allele CA8928494.

ClinVar aggregate classification (germline): Likely benign. Review status: criteria provided, multiple submitters, no conflicts (2 of 4 stars). 4 submissions from 4 submitters: Likely benign (4). Last evaluated 2025-05-20.

Conditions:
Charcot-Marie-Tooth disease. Also called: Charcot-Marie-Tooth Neuropathy; Charcot-Marie-Tooth Hereditary Neuropathy. Identifiers: Orphanet 166, MedGen C0007959, MONDO:0015626.
Amyloidosis, hereditary systemic 1 (AMYLD1). Also called: Hereditary oculoleptomeningeal amyloid angiopathy; Familial Transthyretin Amyloidosis; AMYLOID CARDIOMYOPATHY; Isolated Cardiac Amyloidosis; Amyloid Cardiomyopathy, Transthyretin-related; Familial amyloid polyneuropathy. Identifiers: Orphanet 85447, Orphanet 85451, MedGen C2751492, MONDO:0971004, OMIM 105210.

Allele frequency attached by ClinVar (database versions not stated): ExAC 0.00001; gnomAD exomes 0.00001.
gnomAD v4.1: 7 of 1,614,028 alleles (0.00043%); highest among the groups gnomAD compares: Non-Finnish European, 0.00059%; no homozygotes.

Submissions (4):

Women's Health and Genetics/Laboratory Corporation of America, LabCorp
Classification: Likely benign. Last evaluated: 2025-05-20. Review status: criteria provided, single submitter. Criteria: LabCorp Variant Classification Summary - May 2015. Collection method: clinical testing. Allele origin: germline.

Labcorp Genetics (formerly Invitae), Labcorp
Classification: Likely benign for Amyloidosis, hereditary systemic 1. Last evaluated: 2024-05-15. Review status: criteria provided, single submitter. Criteria: Invitae Variant Classification Sherloc (09022015). Collection method: clinical testing. Allele origin: germline.

Laboratory for Molecular Medicine, Mass General Brigham Personalized Medicine
Classification: Likely benign. Last evaluated: 2016-02-16. Review status: criteria provided, single submitter. Criteria: LMM Criteria. Collection method: clinical testing. Allele origin: germline. Observed: 1 variant allele.
Comment: c.337-13T>C in intron 3 of TTR: This variant is not expected to have clinical si gnificance because a T>C change at this position does not diverge from the splic e consensus sequence and is therefore unlikely to impact splicing. It has been i dentified in 1/66280 European chromosomes by the Exome Aggregation Consortium (E xAC; dbSNP rs762691667).

Molecular Genetics Laboratory, London Health Sciences Centre
Classification: Likely benign for Charcot-Marie-Tooth disease. Review status: criteria provided, single submitter. Criteria: ACMG Guidelines, 2015. Collection method: clinical testing. Allele origin: germline. Affected: yes.